The following is an entry in ClinVar:

NM_001042413.2(GLIS3):c.380C>T (p.Pro127Leu)

Gene: GLIS3 (GLIS family zinc finger 3; minus strand). Cytogenetic location: 9p24.2.
Variant type: single nucleotide variant.
Coding change: c.380C>T on transcript NM_001042413.2 (MANE Select); coding-DNA position 380, C replaced by T.
Protein change: p.Pro127Leu; replaces proline 127 with leucine.
Molecular consequence: missense variant.
Genome position (GRCh38, 1-based): chr9:4,286,046, G>A on the plus strand (C>T on the coding strand, the complement: GLIS3 is on the minus strand). VCF-style: chr9-4286046-G-A. GRCh37 (hg19) VCF-style: chr9-4286046-G-A.
Other names: c.380C>T (NM_001042413.1); short protein forms P127L.
Identifiers: ClinVar variation 1696965 (VCV001696965.4), dbSNP rs182084153, ClinGen allele CA4968609.

ClinVar aggregate classification (germline): Uncertain significance. Review status: criteria provided, multiple submitters, no conflicts (2 of 4 stars). 2 submissions from 2 submitters: Uncertain significance (2). Last evaluated 2023-06-06.

Conditions:
Inborn genetic diseases. Identifiers: MedGen C0950123, MeSH D030342.

Allele frequency attached by ClinVar (database versions not stated): 1000 Genomes Project 0.00040; 1000 Genomes Project 30x 0.00031; ESP Exome Variant Server 0.00008.
gnomAD v4.1: 76 of 1,613,986 alleles (0.0047%); highest among the groups gnomAD compares: African/African-American, 0.028%; no homozygotes.

Submissions (2):

Ambry Genetics
Classification: Uncertain significance for Inborn genetic diseases. Last evaluated: 2023-06-06. Review status: criteria provided, single submitter. Criteria: Ambry Variant Classification Scheme 2023. Collection method: clinical testing. Allele origin: germline.

GeneDx
Classification: Uncertain significance. Last evaluated: 2022-01-13. Review status: criteria provided, single submitter. Criteria: GeneDx Variant Classification Process June 2021. Collection method: clinical testing. Allele origin: germline. Affected: yes.
Comment: In silico analysis supports that this missense variant does not alter protein structure/function; Has not been previously published as pathogenic or benign to our knowledge